The following is an entry in ClinVar:

ClinVar aggregate classification (germline): Pathogenic/Likely pathogenic. Review status: criteria provided, multiple submitters, no conflicts (2 of 4 stars). 3 submissions from 3 submitters: Pathogenic (2); Likely pathogenic (1). Last evaluated 2024-06-06.

Conditions:
STRC-related disorder. Also called: STRC-related condition.
Autosomal recessive nonsyndromic hearing loss 16. Also called: DFNB16 Nonsyndromic Hearing Loss and Deafness; DEAFNESS, AUTOSOMAL RECESSIVE 16. Identifiers: Orphanet 90636, MedGen C1863561, MONDO:0011364, OMIM 603720.

Allele frequency attached by ClinVar (database versions not stated): ExAC 0.00002.

Submissions (3):

Laboratory of Prof. Karen Avraham, Tel Aviv University
Classification: Pathogenic for Autosomal recessive nonsyndromic hearing loss 16. Last evaluated: 2024-06-06. Review status: criteria provided, single submitter. Criteria: ACMG Guidelines, 2015. Collection method: research. Allele origin: germline. Affected: yes. Observed: 1 variant allele.
Comment: Homozygosity of a nonsense variant in a known deafness gene, with another known nonsense mutation in an adjacent amino acid

DFNB16; sloping audiogram, mild-to-moderately-severe HL

Blueprint Genetics
Classification: Pathogenic for STRC-related disorders. Last evaluated: 2023-09-22. Review status: criteria provided, single submitter. Criteria: ACMG Guidelines, 2015. Collection method: clinical testing. Allele origin: germline. Affected: yes. Observed: 3 variant alleles.

Juno Genomics, Hangzhou Juno Genomics, Inc
Classification: Likely pathogenic for Autosomal recessive nonsyndromic hearing loss 16. Review status: criteria provided, single submitter. Criteria: ACMG Guidelines, 2015. Collection method: clinical testing. Allele origin: germline.
Comment: Null variant in a gene where loss of function (LOF) is a known mechanism of disease.;Absent from controls (or at extremely low frequency if recessive) in Genome Aggregation Database.

NM_153700.2(STRC):c.5185C>T (p.Arg1729Ter)

Gene: STRC (stereocilin; minus strand). Cytogenetic location: 15q15.3.
Variant type: single nucleotide variant.
Coding change: c.5185C>T on transcript NM_153700.2 (MANE Select); coding-DNA position 5185, C replaced by T.
Protein change: p.Arg1729Ter; replaces arginine 1729 with a stop codon.
Molecular consequence: nonsense.
Genome position (GRCh38, 1-based): chr15:43,600,014, G>A on the plus strand (C>T on the coding strand, the complement: STRC is on the minus strand). VCF-style: chr15-43600014-G-A. GRCh37 (hg19) VCF-style: chr15-43892212-G-A.
Other names: short protein forms R1729*.
Identifiers: ClinVar variation 3250402 (VCV003250402.4), dbSNP rs750132696.